The following is an entry in ClinVar:

ClinVar aggregate classification (germline): Uncertain significance (1 of 4 stars; one submission).

Conditions:
Joubert syndrome. Also called: Familial aplasia of the vermis; JOUBERT-BOLTSHAUSER SYNDROME. Identifiers: Orphanet 475, MedGen C5979921, MONDO:0018772.
Meckel-Gruber syndrome. Also called: Dysencephalia splachnocystica; DYSENCEPHALIA SPLANCHNOCYSTICA; GRUBER SYNDROME. Identifiers: Orphanet 564, MedGen C0265215, MONDO:0018921.

Submission:

Labcorp Genetics (formerly Invitae), Labcorp
Classification: Uncertain significance for Joubert syndrome; Meckel-Gruber syndrome. Last evaluated: 2024-10-28. Review status: criteria provided, single submitter. Criteria: Invitae Variant Classification Sherloc (09022015). Collection method: clinical testing. Allele origin: germline.
Comment: This sequence change replaces arginine, which is basic and polar, with threonine, which is neutral and polar, at codon 756 of the CC2D2A protein (p.Arg756Thr). This variant is not present in population databases (gnomAD no frequency). This variant has not been reported in the literature in individuals affected with CC2D2A-related conditions. ClinVar contains an entry for this variant (Variation ID: 1993196). Invitae Evidence Modeling of protein sequence and biophysical properties (such as structural, functional, and spatial information, amino acid conservation, physicochemical variation, residue mobility, and thermodynamic stability) indicates that this missense variant is not expected to disrupt CC2D2A protein function with a negative predictive value of 95%. In summary, the available evidence is currently insufficient to determine the role of this variant in disease. Therefore, it has been classified as a Variant of Uncertain Significance.

NM_001378615.1(CC2D2A):c.2267G>C (p.Arg756Thr)

Genes: FBXL5 (F-box and leucine rich repeat protein 5; minus strand), CC2D2A (coiled-coil and C2 domain containing 2A; plus strand). Cytogenetic location: 4p15.32.
Variant type: single nucleotide variant.
Coding change: c.2267G>C on transcript NM_001378615.1 (MANE Select); coding-DNA position 2267, G replaced by C.
Protein change: p.Arg756Thr; replaces arginine 756 with threonine.
Molecular consequence: missense variant.
Genome position (GRCh38, 1-based): chr4:15,550,909, G>C. VCF-style: chr4-15550909-G-C. GRCh37 (hg19) VCF-style: chr4-15552532-G-C.
Other names: c.2267G>C, p.Arg756Thr (NM_001080522.2); c.2120G>C, p.Arg707Thr (NM_001378617.1); short protein forms R707T, R756T.
Identifiers: ClinVar variation 1993196 (VCV001993196.4), dbSNP rs772804576, ClinGen allele CA356417210.